The following is an entry in ClinVar:

NM_004517.4(ILK):c.222A>T (p.Ala74=)

Genes: TAF10 (TATA-box binding protein associated factor 10; minus strand), ILK (integrin linked kinase; plus strand). Cytogenetic location: 11p15.4.
Variant type: single nucleotide variant.
Coding change: c.222A>T on transcript NM_004517.4 (MANE Select); coding-DNA position 222, A replaced by T.
Protein change: p.Ala74=; no amino-acid change (alanine 74 retained).
Molecular consequence: synonymous variant. On other transcripts: 3 prime UTR variant (1), intron variant (1).
Genome position (GRCh38, 1-based): chr11:6,608,178, A>T. VCF-style: chr11-6608178-A-T. GRCh37 (hg19) VCF-style: chr11-6629408-A-T.
Other names: c.222A>T, p.Ala74= (NM_001014794.3, NM_001014795.3, NM_001278441.2); c.*2744T>A (NM_006284.4); c.-147-216A>T (NM_001278442.2).
Identifiers: ClinVar variation 515649 (VCV000515649.2), dbSNP rs1554898398, ClinGen allele CA472762907.

ClinVar aggregate classification (germline): Likely benign. Review status: criteria provided, multiple submitters, no conflicts (2 of 4 stars). 2 submissions from 2 submitters: Likely benign (2). Last evaluated 2025-08-24.

Conditions:
Primary familial hypertrophic cardiomyopathy (HCM). Identifiers: Orphanet 99739, MedGen C0949658, MeSH D024741, MONDO:0024573. Inheritance: Various modes of inheritance.

Allele frequency attached by ClinVar (database versions not stated): gnomAD exomes below 0.00001.
gnomAD v4.1: 2 of 1,614,210 alleles (0.00012%); highest among the groups gnomAD compares: Non-Finnish European, 0.00017%; no homozygotes.

Submissions (2):

Labcorp Genetics (formerly Invitae), Labcorp
Classification: Likely benign for Primary familial hypertrophic cardiomyopathy. Last evaluated: 2025-08-24. Review status: criteria provided, single submitter. Criteria: Invitae Variant Classification Sherloc (09022015). Collection method: clinical testing. Allele origin: germline.

GeneDx
Classification: Likely benign. Last evaluated: 2018-02-21. Review status: criteria provided, single submitter. Criteria: GeneDx Variant Classification (06012015). Collection method: clinical testing. Allele origin: germline. Affected: yes.
Comment: This variant is considered likely benign or benign based on one or more of the following criteria: it is a conservative change, it occurs at a poorly conserved position in the protein, it is predicted to be benign by multiple in silico algorithms, and/or has population frequency not consistent with disease.